The following is an entry in ClinVar:

NM_001330701.2(AGTPBP1):c.3252A>G (p.Thr1084=)

Gene: AGTPBP1 (ATP/GTP binding carboxypeptidase 1; minus strand). Cytogenetic location: 9q21.33.
Variant type: single nucleotide variant.
Coding change: c.3252A>G on transcript NM_001330701.2 (MANE Select); coding-DNA position 3252, A replaced by G.
Protein change: p.Thr1084=; no amino-acid change (threonine 1084 retained).
Molecular consequence: synonymous variant.
Genome position (GRCh38, 1-based): chr9:85,579,010, T>C on the plus strand (A>G on the coding strand, the complement: AGTPBP1 is on the minus strand). VCF-style: chr9-85579010-T-C. GRCh37 (hg19) VCF-style: chr9-88193925-T-C.
Other names: c.3408A>G, p.Thr1136= (NM_001286715.1); c.3288A>G, p.Thr1096= (NM_001286717.1); c.3132A>G, p.Thr1044= (NM_015239.3).
Identifiers: ClinVar variation 3051122 (VCV003051122.2), dbSNP rs751999738, ClinGen allele CA5106124.

ClinVar aggregate classification (germline): Likely benign (0 of 4 stars; one submission).

Conditions:
AGTPBP1-related disorder. Also called: AGTPBP1-related condition.

Allele frequency attached by ClinVar (database versions not stated): gnomAD exomes below 0.00001; ExAC 0.00001; TOPMed 0.00001.
gnomAD v4.1: 2 of 1,612,218 alleles (0.00012%); highest among the groups gnomAD compares: Non-Finnish European, 0.00017%; no homozygotes.

Submission:

PreventionGenetics, part of Exact Sciences
Classification: Likely benign for AGTPBP1-related condition. Last evaluated: 2023-02-21. Review status: no assertion criteria provided. Collection method: clinical testing. Allele origin: germline.
Comment: This variant is classified as likely benign based on ACMG/AMP sequence variant interpretation guidelines (Richards et al. 2015 PMID: 25741868, with internal and published modifications).